The following is an entry in ClinVar:

NM_006231.4(POLE):c.2722G>A (p.Asp908Asn)

Gene: POLE (DNA polymerase epsilon, catalytic subunit; minus strand). Cytogenetic location: 12q24.33.
Variant type: single nucleotide variant.
Coding change: c.2722G>A on transcript NM_006231.4 (MANE Select); coding-DNA position 2722, G replaced by A.
Protein change: p.Asp908Asn; replaces aspartic acid 908 with asparagine.
Molecular consequence: missense variant.
Genome position (GRCh38, 1-based): chr12:132,661,669, C>T on the plus strand (G>A on the coding strand, the complement: POLE is on the minus strand). VCF-style: chr12-132661669-C-T. GRCh37 (hg19) VCF-style: chr12-133238255-C-T.
Other names: short protein forms D908N.
Identifiers: ClinVar variation 568422 (VCV000568422.13), dbSNP rs1565958703, ClinGen allele CA387394029.
Genomic context (GRCh38, chr12:132,661,669, plus strand): 5'-TGTTCTCTGAGCGGGTGACGTAGGTGAGTGAGGACGGCTCAGCCAGCTCCTGGTACTGGT[C>T]ATTGGTGAAGCCTTCCTGAGAAACAAGAGTGAAGAGGGGGCAGCTTCACTCATGATGGCC-3'
Protein context (NP_006222.2, residues 898-918): NIMVKEGFTN[Asp908Asn]QYQELAEPSS

ClinVar aggregate classification (germline): Uncertain significance. Review status: criteria provided, multiple submitters, no conflicts (2 of 4 stars). 3 submissions from 3 submitters: Uncertain significance (2). 1 of the submissions does not count toward it. Last evaluated 2024-03-28.

Conditions:
Hereditary cancer-predisposing syndrome. Also called: Neoplastic Syndromes, Hereditary; Tumor predisposition; Hereditary neoplastic syndrome; Hereditary Cancer Syndrome. Identifiers: Orphanet 140162, MedGen C0027672, MeSH D009386, MONDO:0015356.
POLE-related disorder. Also called: POLE-related disorders; POLE-related condition.

Submissions (3):

Labcorp Genetics (formerly Invitae), Labcorp
Classification: Uncertain significance. Last evaluated: 2024-03-28. Review status: criteria provided, single submitter. Criteria: Invitae Variant Classification Sherloc (09022015). Collection method: clinical testing. Allele origin: germline.
Comment: This sequence change replaces aspartic acid, which is acidic and polar, with asparagine, which is neutral and polar, at codon 908 of the POLE protein (p.Asp908Asn). This variant is not present in population databases (gnomAD no frequency). This variant has not been reported in the literature in individuals affected with POLE-related conditions. ClinVar contains an entry for this variant (Variation ID: 568422). Advanced modeling of protein sequence and biophysical properties (such as structural, functional, and spatial information, amino acid conservation, physicochemical variation, residue mobility, and thermodynamic stability) performed at Invitae indicates that this missense variant is not expected to disrupt POLE protein function with a negative predictive value of 80%. In summary, the available evidence is currently insufficient to determine the role of this variant in disease. Therefore, it has been classified as a Variant of Uncertain Significance.

Ambry Genetics
Classification: Uncertain significance for Hereditary cancer-predisposing syndrome. Last evaluated: 2022-05-18. Review status: criteria provided, single submitter. Criteria: Ambry Variant Classification Scheme 2023. Collection method: clinical testing. Allele origin: germline.
Comment: The p.D908N variant (also known as c.2722G>A), located in coding exon 24 of the POLE gene, results from a G to A substitution at nucleotide position 2722. The aspartic acid at codon 908 is replaced by asparagine, an amino acid with highly similar properties. This amino acid position is conserved. In addition, this alteration is predicted to be tolerated by in silico analysis. Since supporting evidence is limited at this time, the clinical significance of this alteration remains unclear.

PreventionGenetics, part of Exact Sciences
Classification: Uncertain significance for POLE-related condition. Last evaluated: 2023-12-14. Review status: no assertion criteria provided. Collection method: clinical testing. Allele origin: germline. Not counted in ClinVar's aggregate classification.
Comment: The POLE c.2722G>A variant is predicted to result in the amino acid substitution p.Asp908Asn. To our knowledge, this variant has not been reported in the literature or in a large population database, indicating this variant is rare. It is interpreted as uncertain significance in ClinVar. At this time, the clinical significance of this variant is uncertain due to the absence of conclusive functional and genetic evidence.